The following is an entry in ClinVar:

ClinVar aggregate classification (germline): Uncertain significance (1 of 4 stars; one submission).

Conditions:
Cowden syndrome (CS). Also called: Cowden's disease; Cowden's syndrome; Cowden disease. Identifiers: Orphanet 201, MedGen C0018553, MONDO:0016063. Disease mechanism: gain of function.

Allele frequency attached by ClinVar (database versions not stated): ExAC 0.00001; TOPMed 0.00001; gnomAD exomes 0.00002.
gnomAD v4.1: 6 of 1,613,338 alleles (0.00037%); highest among the groups gnomAD compares: Admixed American, 0.01%; no homozygotes.

Submission:

Labcorp Genetics (formerly Invitae), Labcorp
Classification: Uncertain significance for Cowden syndrome. Last evaluated: 2023-10-04. Review status: criteria provided, single submitter. Criteria: Invitae Variant Classification Sherloc (09022015). Collection method: clinical testing. Allele origin: germline.
Comment: This sequence change replaces histidine, which is basic and polar, with glutamine, which is neutral and polar, at codon 47 of the PIK3CA protein (p.His47Gln). This variant is present in population databases (rs768265254, gnomAD 0.01%). This variant has not been reported in the literature in individuals affected with PIK3CA-related conditions. ClinVar contains an entry for this variant (Variation ID: 456528). Advanced modeling of protein sequence and biophysical properties (such as structural, functional, and spatial information, amino acid conservation, physicochemical variation, residue mobility, and thermodynamic stability) has been performed at Invitae for this missense variant, however the output from this modeling did not meet the statistical confidence thresholds required to predict the impact of this variant on PIK3CA protein function. In summary, the available evidence is currently insufficient to determine the role of this variant in disease. Therefore, it has been classified as a Variant of Uncertain Significance.

NM_006218.4(PIK3CA):c.141T>G (p.His47Gln)

Gene: PIK3CA (phosphatidylinositol-4,5-bisphosphate 3-kinase catalytic subunit alpha; plus strand). Cytogenetic location: 3q26.32.
Variant type: single nucleotide variant.
Coding change: c.141T>G on transcript NM_006218.4 (MANE Select); coding-DNA position 141, T replaced by G.
Protein change: p.His47Gln; replaces histidine 47 with glutamine.
Molecular consequence: missense variant.
Genome position (GRCh38, 1-based): chr3:179,198,966, T>G. VCF-style: chr3-179198966-T-G. GRCh37 (hg19) VCF-style: chr3-178916754-T-G.
Other names: c.141T>G (LRG_310t1); short protein forms H47Q.
Identifiers: ClinVar variation 456528 (VCV000456528.9), dbSNP rs768265254, ClinGen allele CA2710501.